The following is an entry in ClinVar:

NM_021975.4(RELA):c.1033+6del

Gene: RELA (RELA proto-oncogene, NF-kB subunit; minus strand). Cytogenetic location: 11q13.1.
Variant type: Deletion.
Coding change: c.1033+6del on transcript NM_021975.4 (MANE Select); 6 bases into the intron after coding-DNA position 1033, one base deleted (G; older notation c.1033+6delG).
Molecular consequence: intron variant.
Genome position (GRCh38, 1-based): chr11:65,655,682, C deleted on the plus strand (G on the coding strand, the reverse complement: RELA is on the minus strand); the first of 2 consecutive C bases (chr11:65,655,682-65,655,683); deleting either gives the same sequence. VCF-style (leftmost placement, unchanged base first): chr11-65655681-TC-T. GRCh37 (hg19) VCF-style: chr11-65423152-TC-T.
Other names: c.1033+6delG (NM_021975.3); c.1024+6del (NM_001145138.2); c.1033+6del (NM_001243984.2, NM_001243985.2).
Identifiers: ClinVar variation 1166911 (VCV001166911.11), dbSNP rs55764628, ClinGen allele CA6106698.
Genomic context (GRCh38, chr11:65,655,681, plus strand): 5'-TCTCCACTGCTCCTCAGCTGAACAGAGCTGAACCTGTCGTTCCAGTGGGACAAAAGGAAA[TC>T]CTTACCTGGCTTGGGGACAGAAGCTGAGCTGCGGGAAGGCACAGCAATGCGTCGAGGTGG-3'

ClinVar aggregate classification (germline): Benign. Review status: criteria provided, single submitter (1 of 4 stars). 2 submissions from 2 submitters: Benign (1). 1 of the submissions does not count toward it. Last evaluated 2025-12-29.

Conditions:
RELA-related disorder. Also called: RELA-related condition.

Submissions (2):

Labcorp Genetics (formerly Invitae), Labcorp
Classification: Benign. Last evaluated: 2025-12-29. Review status: criteria provided, single submitter. Criteria: Invitae Variant Classification Sherloc (09022015). Collection method: clinical testing. Allele origin: germline.

PreventionGenetics, part of Exact Sciences
Classification: Benign for RELA-related condition. Last evaluated: 2019-06-26. Review status: no assertion criteria provided. Collection method: clinical testing. Allele origin: germline. Not counted in ClinVar's aggregate classification.
Comment: This variant is classified as benign based on ACMG/AMP sequence variant interpretation guidelines (Richards et al. 2015 PMID: 25741868, with internal and published modifications).